The following is an entry in ClinVar:

ClinVar aggregate classification (germline): Likely pathogenic (1 of 4 stars; one submission).

Conditions:
Fabry disease. Also called: ALPHA-GALACTOSIDASE A DEFICIENCY; ANDERSON-FABRY DISEASE; CERAMIDE TRIHEXOSIDASE DEFICIENCY; GLA DEFICIENCY; HEREDITARY DYSTOPIC LIPIDOSIS; Angiokeratoma corporis diffusum. Identifiers: Orphanet 324, MedGen C0002986, MONDO:0010526, OMIM 301500, HP:0001071. Disease mechanism: Fabry disease is due to inactivating mutations in the X-linked GLA gene resulting in deficiency of the enzyme Alpha Galactosidase-A., loss of function.

Submission:

Genomenon, Inc
Classification: Likely pathogenic for Fabry disease. Last evaluated: 2026-09-08. Review status: criteria provided, single submitter. Criteria: Genomenon Sequence Variant Interpretation Standards - Updated. Collection method: curation. Allele origin: germline. Affected: yes.
Comment: GLA p.Val316Gly (c.947T>G) is a missense variant that changes the amino acid at codon 316 from Valine to Glycine. This variant has been observed in at least one proband with clinical features consistent with Fabry disease (PMID:23935525). At least one functional study has demonstrated a substantial alteration in protein function relative to the wild-type (PMID:32023956;27657681;23935525). It is absent or not present at a significant frequency in gnomAD. In silico models predict that this variant is possibly or probably damaging. In conclusion, we classify GLA p.Val316Gly (c.947T>G) as a likely pathogenic variant.

Literature cited by the submitters: PubMed 23935525; PubMed 32023956; PubMed 27657681.

NM_000169.3(GLA):c.947T>G (p.Val316Gly)

Genes: GLA (galactosidase alpha; minus strand), RPL36A-HNRNPH2 (RPL36A-HNRNPH2 readthrough; plus strand). Cytogenetic location: Xq22.1.
Variant type: single nucleotide variant.
Coding change: c.947T>G on transcript NM_000169.3 (MANE Select); coding-DNA position 947, T replaced by G.
Protein change: p.Val316Gly; replaces valine 316 with glycine.
Molecular consequence: missense variant. On other transcripts: non-coding transcript variant (3), intron variant (2).
Genome position (GRCh38, 1-based): chrX:101,398,422, A>C on the plus strand (T>G on the coding strand, the complement: GLA is on the minus strand). VCF-style: chrX-101398422-A-C. GRCh37 (hg19) VCF-style: chrX-100653410-A-C.
Other names: c.1070T>G, p.Val357Gly (NM_001406747.1); c.947T>G, p.Val316Gly (NM_001406748.1); c.300+2965A>C (NM_001199973.2); c.177+6600A>C (NM_001199974.2); short protein forms V316G, V357G.
Identifiers: ClinVar variation 4087596 (VCV004087596.2).